The following is an entry in ClinVar:

ClinVar aggregate classification (germline): Pathogenic/Likely pathogenic. Review status: criteria provided, multiple submitters, no conflicts (2 of 4 stars). 2 submissions from 2 submitters: Pathogenic (1); Likely pathogenic (1). Last evaluated 2023-07-01.

Conditions:
Fanconi anemia (FA). Also called: Fanconi's anemia. Identifiers: Orphanet 84, MedGen C0015625, MeSH D005199, MONDO:0019391.

Allele frequency attached by ClinVar (database versions not stated): gnomAD exomes below 0.00001; ExAC 0.00001.
gnomAD v4.1: 1 of 1,614,138 alleles (0.000062%); no homozygotes.

Submissions (2):

Labcorp Genetics (formerly Invitae), Labcorp
Classification: Likely pathogenic for Fanconi anemia. Last evaluated: 2023-07-01. Review status: criteria provided, single submitter. Criteria: Invitae Variant Classification Sherloc (09022015). Collection method: clinical testing. Allele origin: germline.
Comment: This sequence change affects an acceptor splice site in intron 40 of the FANCA gene. It is expected to disrupt RNA splicing. Variants that disrupt the donor or acceptor splice site typically lead to a loss of protein function (PMID: 16199547), and loss-of-function variants in FANCA are known to be pathogenic (PMID: 19367192). In summary, the currently available evidence indicates that the variant is pathogenic, but additional data are needed to prove that conclusively. Therefore, this variant has been classified as Likely Pathogenic. Studies have shown that disruption of this splice site is associated with altered splicing resulting in unknown protein product impact (PMID: 24584348). ClinVar contains an entry for this variant (Variation ID: 280686). Disruption of this splice site has been observed in individual(s) with Fanconi anemia (PMID: 24584348). The frequency data for this variant in the population databases is considered unreliable, as metrics indicate poor data quality at this position in the gnomAD database.

GeneDx
Classification: Pathogenic. Last evaluated: 2016-06-30. Review status: criteria provided, single submitter. Criteria: GeneDx Variant Classification (06012015). Collection method: clinical testing. Allele origin: germline. Affected: yes.
Comment: The c.4011-1G>A variant in the FANCA gene has not been reported previously as a pathogenic variant nor as a benign variant, to our knowledge. This splice site variant destroys the canonical splice acceptor site in intron 40. It is predicted to cause abnormal gene splicing, either leading to an abnormal message that is subject to nonsense-mediated mRNA decay, or to an abnormal protein product if the message is used for protein translation. The c.4011-1G>A variant was not observed in approximately 6500 individuals of European and African American ancestry in the NHLBI Exome Sequencing Project, indicating it is not a common benign variant in these populations. We interpret c.4011-1G>A as a pathogenic variant.

Literature cited by the submitters: PubMed 16199547 (cited by Labcorp Genetics (formerly Invitae), Labcorp); PubMed 19367192 (cited by Labcorp Genetics (formerly Invitae), Labcorp); PubMed 24584348 (cited by Labcorp Genetics (formerly Invitae), Labcorp).

NM_000135.4(FANCA):c.4011-1G>A

Genes: FANCA (FA complementation group A; minus strand), ZNF276 (zinc finger protein 276; plus strand). Cytogenetic location: 16q24.3.
Variant type: single nucleotide variant.
Coding change: c.4011-1G>A on transcript NM_000135.4 (MANE Select); the canonical splice acceptor site of the intron before coding-DNA position 4011, G replaced by A.
Molecular consequence: splice acceptor variant. On other transcripts: 3 prime UTR variant (2), non-coding transcript variant (4).
Genome position (GRCh38, 1-based): chr16:89,739,290, C>T on the plus strand (G>A on the coding strand, the complement: FANCA is on the minus strand). VCF-style: chr16-89739290-C-T. GRCh37 (hg19) VCF-style: chr16-89805698-C-T.
Other names: c.*1044C>T (NM_001113525.2, NM_152287.4); c.4011-1G>A (NM_001286167.3).
Identifiers: ClinVar variation 280686 (VCV000280686.5), dbSNP rs761988162, ClinGen allele CA8250816.